The following is an entry in ClinVar:

NM_021830.5(TWNK):c.551A>G (p.Lys184Arg)

Gene: TWNK (twinkle mtDNA helicase; plus strand). Cytogenetic location: 10q24.31.
Variant type: single nucleotide variant.
Coding change: c.551A>G on transcript NM_021830.5 (MANE Select); coding-DNA position 551, A replaced by G.
Protein change: p.Lys184Arg; replaces lysine 184 with arginine.
Molecular consequence: missense variant. On other transcripts: non-coding transcript variant (4), intron variant (3).
Genome position (GRCh38, 1-based): chr10:100,988,761, A>G. VCF-style: chr10-100988761-A-G. GRCh37 (hg19) VCF-style: chr10-102748518-A-G.
Other names: c.551A>G, p.Lys184Arg (NM_001163812.2); c.-119-883A>G (NM_001163814.2, NM_001163813.2); c.-57-945A>G (NM_001368275.1); short protein forms K184R.
Identifiers: ClinVar variation 1486723 (VCV001486723.6), dbSNP rs748648084, ClinGen allele CA5653083.

ClinVar aggregate classification (germline): Uncertain significance (1 of 4 stars; one submission).

Allele frequency attached by ClinVar (database versions not stated): gnomAD exomes below 0.00001 and 0.00001; TOPMed below 0.00001; ExAC 0.00001; gnomAD 0.00001.

Submission:

Labcorp Genetics (formerly Invitae), Labcorp
Classification: Uncertain significance. Last evaluated: 2024-07-08. Review status: criteria provided, single submitter. Criteria: Invitae Variant Classification Sherloc (09022015). Collection method: clinical testing. Allele origin: germline.
Comment: This sequence change replaces lysine, which is basic and polar, with arginine, which is basic and polar, at codon 184 of the TWNK protein (p.Lys184Arg). This variant is present in population databases (rs748648084, gnomAD 0.006%). This variant has not been reported in the literature in individuals affected with TWNK-related conditions. ClinVar contains an entry for this variant (Variation ID: 1486723). Algorithms developed to predict the effect of missense changes on protein structure and function output the following: SIFT: "Not Available"; PolyPhen-2: "Benign"; Align-GVGD: "Not Available". The arginine amino acid residue is found in multiple mammalian species, which suggests that this missense change does not adversely affect protein function. In summary, the available evidence is currently insufficient to determine the role of this variant in disease. Therefore, it has been classified as a Variant of Uncertain Significance.